The following is an entry in ClinVar:

ClinVar aggregate classification (germline): Likely benign. Review status: criteria provided, multiple submitters, no conflicts (2 of 4 stars). 2 submissions from 2 submitters: Likely benign (2). Last evaluated 2025-01-08.

Conditions:
Lynch syndrome 5 (LYNCH5). Also called: Hereditary non-polyposis colorectal cancer, type 5; Colorectal cancer, hereditary nonpolyposis, type 5. Identifiers: Orphanet 144, MedGen C1833477, MONDO:0013710, OMIM 614350. Disease mechanism: loss of function.
Hereditary nonpolyposis colorectal neoplasms. Identifiers: MedGen C0009405, MeSH D003123.

Submissions (2):

Myriad Genetics, Inc.
Classification: Likely benign for Lynch syndrome 5. Last evaluated: 2025-01-08. Review status: criteria provided, single submitter. Criteria: Myriad Autosomal Dominant, Autosomal Recessive and X-Linked Classification Criteria (2023). Collection method: clinical testing. Allele origin: unknown.
Comment: This variant is considered likely benign. This variant is intronic and is not expected to impact mRNA splicing.

Labcorp Genetics (formerly Invitae), Labcorp
Classification: Likely benign for Hereditary nonpolyposis colorectal neoplasms. Last evaluated: 2024-04-06. Review status: criteria provided, single submitter. Criteria: Invitae Variant Classification Sherloc (09022015). Collection method: clinical testing. Allele origin: germline.

NM_000179.3(MSH6):c.3802-7del

Gene: MSH6 (mutS homolog 6; plus strand). Cytogenetic location: 2p16.3.
Variant type: Deletion.
Coding change: c.3802-7del on transcript NM_000179.3 (MANE Select); 7 bases into the intron before coding-DNA position 3802, one base deleted (T; older notation c.3802-7delT).
Molecular consequence: intron variant.
Genome position (GRCh38, 1-based): chr2:47,806,445, T deleted; the last of 3 consecutive T bases (chr2:47,806,443-47,806,445); deleting any one gives the same sequence. VCF-style (leftmost placement, unchanged base first): chr2-47806442-CT-C. GRCh37 (hg19) VCF-style: chr2-48033581-CT-C.
Other names: c.2896-7del (NM_001281493.2, NM_001281494.2); c.3412-7del (NM_001281492.2).
Identifiers: ClinVar variation 757346 (VCV000757346.10), dbSNP rs1572745936, ClinGen allele CA915943973.